The following is an entry in ClinVar:

NM_015627.3(LDLRAP1):c.459+6C>T

Gene: LDLRAP1 (low density lipoprotein receptor adaptor protein 1; plus strand). Cytogenetic location: 1p36.11.
Variant type: single nucleotide variant.
Coding change: c.459+6C>T on transcript NM_015627.3 (MANE Select); 6 bases into the intron after coding-DNA position 459, C replaced by T.
Molecular consequence: intron variant.
Genome position (GRCh38, 1-based): chr1:25,557,273, C>T. VCF-style: chr1-25557273-C-T. GRCh37 (hg19) VCF-style: chr1-25883764-C-T.
Identifiers: ClinVar variation 2050837 (VCV002050837.1), dbSNP rs762507383, ClinGen allele CA695556.

ClinVar aggregate classification (germline): Uncertain significance (1 of 4 stars; one submission).

Conditions:
Hypercholesterolemia, familial, 4 (FHCL4). Also called: HYPERCHOLESTEROLEMIA, AUTOSOMAL RECESSIVE, 1; HYPERCHOLESTEROLEMIA, AUTOSOMAL RECESSIVE, 2. Identifiers: Orphanet 391665, MedGen C1863512, MONDO:0011374, OMIM 603813.

gnomAD v4.1: 81 of 990,992 alleles (0.0082%); highest among the groups gnomAD compares: South Asian, 0.015%; 1 homozygote.

Submission:

Labcorp Genetics (formerly Invitae), Labcorp
Classification: Uncertain significance for Hypercholesterolemia, familial, 4. Last evaluated: 2022-04-29. Review status: criteria provided, single submitter. Criteria: Invitae Variant Classification Sherloc (09022015). Collection method: clinical testing. Allele origin: germline.
Comment: This sequence change falls in intron 4 of the LDLRAP1 gene. It does not directly change the encoded amino acid sequence of the LDLRAP1 protein. It affects a nucleotide within the consensus splice site. This variant is present in population databases (rs762507383, gnomAD 0.007%). This variant has not been reported in the literature in individuals affected with LDLRAP1-related conditions. Variants that disrupt the consensus splice site are a relatively common cause of aberrant splicing (PMID: 17576681, 9536098). Algorithms developed to predict the effect of sequence changes on RNA splicing suggest that this variant is not likely to affect RNA splicing. In summary, the available evidence is currently insufficient to determine the role of this variant in disease. Therefore, it has been classified as a Variant of Uncertain Significance.

Literature cited by the submitters: PubMed 17576681; PubMed 9536098.